The following is an entry in ClinVar:

ClinVar aggregate classification (germline): Uncertain significance. Review status: criteria provided, multiple submitters, no conflicts (2 of 4 stars). 2 submissions from 2 submitters: Uncertain significance (2). Last evaluated 2024-02-28.

Conditions:
Inborn genetic diseases. Identifiers: MedGen C0950123, MeSH D030342.
Intellectual disability, autosomal recessive 53 (NEDHSCA). Also called: Mental retardation, autosomal recessive 53; GLYCOSYLPHOSPHATIDYLINOSITOL BIOSYNTHESIS DEFECT 13; NEURODEVELOPMENTAL DISORDER WITH OR WITHOUT HYPOTONIA, SEIZURES, AND CEREBELLAR ATROPHY. Identifiers: Orphanet 488635, MedGen C4310794, MONDO:0014832, OMIM 616917.

Allele frequency attached by ClinVar (database versions not stated): ExAC 0.00003; gnomAD 0.00003; gnomAD exomes 0.00004 and 0.00005; TOPMed 0.00004.
gnomAD v4.1: 55 of 1,614,006 alleles (0.0034%); highest among the groups gnomAD compares: Non-Finnish European, 0.0045%; no homozygotes.

Submissions (2):

Ambry Genetics
Classification: Uncertain significance for Inborn genetic diseases. Last evaluated: 2024-02-28. Review status: criteria provided, single submitter. Criteria: Ambry Variant Classification Scheme 2023. Collection method: clinical testing. Allele origin: germline.

Labcorp Genetics (formerly Invitae), Labcorp
Classification: Uncertain significance for Intellectual disability, autosomal recessive 53. Last evaluated: 2022-08-19. Review status: criteria provided, single submitter. Criteria: Invitae Variant Classification Sherloc (09022015). Collection method: clinical testing. Allele origin: germline.
Comment: This sequence change replaces serine, which is neutral and polar, with glycine, which is neutral and non-polar, at codon 241 of the PIGG protein (p.Ser241Gly). This variant is present in population databases (rs201744426, gnomAD 0.01%). This variant has not been reported in the literature in individuals affected with PIGG-related conditions. ClinVar contains an entry for this variant (Variation ID: 1378240). Algorithms developed to predict the effect of missense changes on protein structure and function output the following: SIFT: "Tolerated"; PolyPhen-2: "Benign"; Align-GVGD: "Class C0". The glycine amino acid residue is found in multiple mammalian species, which suggests that this missense change does not adversely affect protein function. In summary, the available evidence is currently insufficient to determine the role of this variant in disease. Therefore, it has been classified as a Variant of Uncertain Significance.

NM_001127178.3(PIGG):c.721A>G (p.Ser241Gly)

Gene: PIGG (phosphatidylinositol glycan anchor biosynthesis class G (EMM blood group); plus strand). Cytogenetic location: 4p16.3.
Variant type: single nucleotide variant.
Coding change: c.721A>G on transcript NM_001127178.3 (MANE Select); coding-DNA position 721, A replaced by G.
Protein change: p.Ser241Gly; replaces serine 241 with glycine.
Molecular consequence: missense variant. On other transcripts: 5 prime UTR variant (4), non-coding transcript variant (10), intron variant (1).
Genome position (GRCh38, 1-based): chr4:507,555, A>G. VCF-style: chr4-507555-A-G. GRCh37 (hg19) VCF-style: chr4-501344-A-G.
Other names: c.454A>G, p.Ser152Gly (NM_001289051.2, NM_001289053.2, NM_001289057.2 and 2 more transcripts); c.355A>G, p.Ser119Gly (NM_001289055.2); c.-167A>G (NM_001345988.2); c.721A>G, p.Ser241Gly (NM_001345989.2, NM_017733.5); c.-905A>G (NM_001345990.2); c.-767A>G (NM_001345991.2); c.-492A>G (NM_001345994.2); c.361-1274A>G (NM_001289052.2); and 1 more; short protein forms S152G, S241G, S119G.
Identifiers: ClinVar variation 1378240 (VCV001378240.6), dbSNP rs201744426, ClinGen allele CA2793067.